The following is an entry in ClinVar:

NM_000051.4(ATM):c.1590A>G (p.Ser530=)

Gene: ATM (ATM serine/threonine kinase; plus strand). Cytogenetic location: 11q22.3.
Variant type: single nucleotide variant.
Coding change: c.1590A>G on transcript NM_000051.4 (MANE Select); coding-DNA position 1590, A replaced by G.
Protein change: p.Ser530=; no amino-acid change (serine 530 retained).
Molecular consequence: synonymous variant.
Genome position (GRCh38, 1-based): chr11:108,251,055, A>G. VCF-style: chr11-108251055-A-G. GRCh37 (hg19) VCF-style: chr11-108121782-A-G.
Other names: c.1590A>G, p.Ser530= (NM_001351834.2).
Identifiers: ClinVar variation 1673821 (VCV001673821.9), dbSNP rs2135327907, ClinGen allele CA476744931.
Genomic context (GRCh38, chr11:108,251,055, plus strand): 5'-CATAATTCAGGGTAGTTTAGTTGAGGTTGACAGAGAATTCTGGAAGTTATTTACTGGGTC[A>G]GCCTGCAGACCTTCATGGTAAGTTCAGCATGCATTATGTCTGACTTACAGATAAACACAC-3'
Protein context (NP_000042.3, residues 520-540): DREFWKLFTG[Ser530=]ACRPSCPAVC

ClinVar aggregate classification (germline): Benign/Likely benign. Review status: criteria provided, multiple submitters, no conflicts (2 of 4 stars). 2 submissions from 2 submitters: Benign (1); Likely benign (1). Last evaluated 2024-04-30.

Conditions:
Ataxia-telangiectasia syndrome (AT). Also called: Ataxia-telangiectasia, complementation group D; AT, COMPLEMENTATION GROUP C; ATAXIA-TELANGIECTASIA, COMPLEMENTATION GROUP A; ATAXIA-TELANGIECTASIA, FRESNO VARIANT; Cerebello-oculocutaneous telangiectasia; Immunodeficiency with ataxia telangiectasia. Identifiers: Orphanet 100, MedGen C0004135, MONDO:0008840, OMIM 208900.
Familial cancer of breast. Also called: hereditary breast carcinoma; BREAST CANCER, FAMILIAL; Hereditary breast cancer. Identifiers: Orphanet 227535, MedGen C0346153, MONDO:0016419, OMIM 114480. Disease mechanism: loss of function.

Submissions (2):

Myriad Genetics, Inc.
Classification: Benign for Familial cancer of breast. Last evaluated: 2024-04-30. Review status: criteria provided, single submitter. Criteria: Myriad Autosomal Dominant, Autosomal Recessive and X-Linked Classification Criteria (2023). Collection method: clinical testing. Allele origin: unknown.
Comment: This variant is considered benign. This variant is a silent/synonymous amino acid change and it is not expected to impact splicing.

Labcorp Genetics (formerly Invitae), Labcorp
Classification: Likely benign for Ataxia-telangiectasia syndrome. Last evaluated: 2021-07-11. Review status: criteria provided, single submitter. Criteria: Invitae Variant Classification Sherloc (09022015). Collection method: clinical testing. Allele origin: germline.